The following is an entry in ClinVar:

NM_000195.5(HPS1):c.1791C>T (p.Tyr597=)

Gene: HPS1 (HPS1 biogenesis of lysosomal organelles complex 3 subunit 1; minus strand). Cytogenetic location: 10q24.2.
Variant type: single nucleotide variant.
Coding change: c.1791C>T on transcript NM_000195.5 (MANE Select); coding-DNA position 1791, C replaced by T.
Protein change: p.Tyr597=; no amino-acid change (tyrosine 597 retained).
Molecular consequence: synonymous variant.
Genome position (GRCh38, 1-based): chr10:98,420,111, G>A on the plus strand (C>T on the coding strand, the complement: HPS1 is on the minus strand). VCF-style: chr10-98420111-G-A. GRCh37 (hg19) VCF-style: chr10-100179868-G-A.
Other names: c.1791C>T (NM_000195.4); c.819C>T, p.Tyr273= (NM_001311345.2, NM_001322487.2, NM_001322489.2); c.1791C>T, p.Tyr597= (NM_001322476.2, NM_001322477.2); c.1692C>T, p.Tyr564= (NM_001322478.2, NM_001322479.2); c.1530C>T, p.Tyr510= (NM_001322480.2, NM_001322481.2); c.1431C>T, p.Tyr477= (NM_001322482.2); c.1422C>T, p.Tyr474= (NM_001322483.2, NM_001322484.2); c.1323C>T, p.Tyr441= (NM_001322485.2).
Identifiers: ClinVar variation 879091 (VCV000879091.14), dbSNP rs764612179, ClinGen allele CA5638886.

ClinVar aggregate classification (germline): Conflicting classifications of pathogenicity. Review status: criteria provided, conflicting classifications (1 of 4 stars). 4 submissions from 4 submitters: Uncertain significance (1); Likely benign (1). 2 of the submissions do not count toward it. Last evaluated 2024-07-31.

Conditions:
Hermansky-Pudlak syndrome 1 (HPS1). Also called: DELTA STORAGE POOL DISEASE. Identifiers: Orphanet 231500, Orphanet 79430, MedGen C2931875, MONDO:0008748, OMIM 203300.
HPS1-related disorder. Also called: HPS1-related condition.
Hermansky-Pudlak syndrome (HPS). Also called: ALBINISM WITH HEMORRHAGIC DIATHESIS AND PIGMENTED RETICULOENDOTHELIAL CELLS. Identifiers: Orphanet 79430, MedGen C0079504, MONDO:0019312.

Allele frequency attached by ClinVar (database versions not stated): gnomAD 0.00001; gnomAD exomes 0.00002 and 0.00004; TOPMed 0.00002; ExAC 0.00003.
gnomAD v4.1: 64 of 1,614,004 alleles (0.004%); highest among the groups gnomAD compares: Non-Finnish European, 0.0051%; no homozygotes.

Submissions (4):

Labcorp Genetics (formerly Invitae), Labcorp
Classification: Likely benign. Last evaluated: 2024-07-31. Review status: criteria provided, single submitter. Criteria: Invitae Variant Classification Sherloc (09022015). Collection method: clinical testing. Allele origin: germline.

Illumina Laboratory Services, Illumina
Classification: Uncertain significance for Hermansky-Pudlak syndrome 1. Last evaluated: 2018-01-12. Review status: criteria provided, single submitter. Criteria: ICSL Variant Classification Criteria 13 December 2019. Collection method: clinical testing. Allele origin: germline.

PreventionGenetics, part of Exact Sciences
Classification: Likely benign for HPS1-related condition. Last evaluated: 2024-03-14. Review status: no assertion criteria provided. Collection method: clinical testing. Allele origin: germline. Not counted in ClinVar's aggregate classification.
Comment: This variant is classified as likely benign based on ACMG/AMP sequence variant interpretation guidelines (Richards et al. 2015 PMID: 25741868, with internal and published modifications).

Natera, Inc.
Classification: Uncertain significance for Hermansky-Pudlak syndrome. Last evaluated: 2020-04-10. Review status: no assertion criteria provided. Collection method: clinical testing. Allele origin: germline. Not counted in ClinVar's aggregate classification.